The following is an entry in ClinVar:

NM_006267.5(RANBP2):c.2061dup (p.His688fs)

Gene: RANBP2 (RAN binding protein 2; plus strand). Cytogenetic location: 2q13.
Variant type: Duplication.
Coding change: c.2061dup on transcript NM_006267.5 (MANE Select); coding-DNA position 2061, one base duplicated (T; older notation c.2061dupT).
Protein change: p.His688fs; shifts the reading frame from histidine 688.
Molecular consequence: frameshift variant.
Genome position (GRCh38, 1-based): chr2:108,753,830, T duplicated; the last of 5 consecutive T bases (chr2:108,753,826-108,753,830); duplicating any one gives the same sequence. VCF-style (leftmost placement, unchanged base first): chr2-108753825-A-AT. GRCh37 (hg19) VCF-style: chr2-109370281-A-AT.
Other names: c.2061dup, p.His688fs (NM_001415871.1, NM_001415873.1); c.2058dup, p.His687fs (NM_001415872.1); short protein forms H687fs, H688fs.
Identifiers: ClinVar variation 2501895 (VCV002501895.1), dbSNP rs2467529652, ClinGen allele CA2580611684.

ClinVar aggregate classification (germline): Uncertain significance (1 of 4 stars; one submission).

Submission:

GeneDx
Classification: Uncertain significance. Last evaluated: 2022-11-09. Review status: criteria provided, single submitter. Criteria: GeneDx Variant Classification Process June 2021. Collection method: clinical testing. Allele origin: germline. Affected: yes.
Comment: Not observed at significant frequency in large population cohorts (gnomAD); Frameshift variant predicted to result in protein truncation or nonsense mediated decay in a gene or region of a gene for which loss of function is not a well-established mechanism of disease; Has not been previously published as pathogenic or benign to our knowledge